The following is an entry in ClinVar:

NM_001100913.3(PACS2):c.1680G>A (p.Ala560=)

Gene: PACS2 (phosphofurin acidic cluster sorting protein 2; plus strand). Cytogenetic location: 14q32.33.
Variant type: single nucleotide variant.
Coding change: c.1680G>A on transcript NM_001100913.3 (MANE Select); coding-DNA position 1680, G replaced by A.
Protein change: p.Ala560=; no amino-acid change (alanine 560 retained).
Molecular consequence: synonymous variant.
Genome position (GRCh38, 1-based): chr14:105,383,413, G>A. VCF-style: chr14-105383413-G-A. GRCh37 (hg19) VCF-style: chr14-105849750-G-A.
Other names: c.1443G>A, p.Ala481= (NM_001243127.3); c.1668G>A, p.Ala556= (NM_015197.4); c.1680G>A (NM_001100913.2).
Identifiers: ClinVar variation 1013054 (VCV001013054.45), dbSNP rs368051873, ClinGen allele CA7388959.

ClinVar aggregate classification (germline): Benign/Likely benign. Review status: criteria provided, multiple submitters, no conflicts (2 of 4 stars). 4 submissions from 4 submitters: Benign (1); Likely benign (2). 1 of the submissions does not count toward it. Last evaluated 2025-10-20.

Conditions:
PACS2-related disorder. Also called: PACS2-related condition.

Allele frequency attached by ClinVar (database versions not stated): TOPMed 0.00011; ESP Exome Variant Server 0.00015; gnomAD 0.00015 and 0.00017; gnomAD exomes 0.00026; ExAC 0.00028.
gnomAD v4.1: 388 of 1,608,070 alleles (0.024%); highest among the groups gnomAD compares: South Asian, 0.084%; 1 homozygote.

Submissions (4):

Labcorp Genetics (formerly Invitae), Labcorp
Classification: Benign. Last evaluated: 2025-10-20. Review status: criteria provided, single submitter. Criteria: Invitae Variant Classification Sherloc (09022015). Collection method: clinical testing. Allele origin: germline.

CeGaT Center for Human Genetics Tuebingen
Classification: Likely benign. Last evaluated: 2025-03-01. Review status: criteria provided, single submitter. Criteria: CeGaT Center For Human Genetics Tuebingen Variant Classification Criteria Version 2. Collection method: clinical testing. Allele origin: germline. Affected: yes. Observed: 4 variant alleles.
Comment: PACS2: BP4, BP7

Blueprint Genetics
Classification: Likely benign. Last evaluated: 2024-11-06. Review status: criteria provided, single submitter. Criteria: ACMG Guidelines, 2015. Collection method: clinical testing. Allele origin: germline.

PreventionGenetics, part of Exact Sciences
Classification: Likely benign for PACS2-related condition. Last evaluated: 2019-07-17. Review status: no assertion criteria provided. Collection method: clinical testing. Allele origin: germline. Not counted in ClinVar's aggregate classification.
Comment: This variant is classified as likely benign based on ACMG/AMP sequence variant interpretation guidelines (Richards et al. 2015 PMID: 25741868, with internal and published modifications).